The following is an entry in ClinVar:

ClinVar aggregate classification (germline): Uncertain significance (1 of 4 stars; one submission).

Conditions:
Hereditary cancer-predisposing syndrome. Also called: Neoplastic Syndromes, Hereditary; Tumor predisposition; Hereditary neoplastic syndrome; Hereditary Cancer Syndrome. Identifiers: Orphanet 140162, MedGen C0027672, MeSH D009386, MONDO:0015356.

Submission:

Ambry Genetics
Classification: Uncertain significance for Hereditary cancer-predisposing syndrome. Last evaluated: 2026-07-07. Review status: criteria provided, single submitter. Criteria: Ambry Variant Classification Scheme 2023. Collection method: clinical testing. Allele origin: germline.
Comment: The p.L452P variant (also known as c.1355T>C), located in coding exon 10 of the CDH1 gene, results from a T to C substitution at nucleotide position 1355. The leucine at codon 452 is replaced by proline, an amino acid with similar properties. This amino acid position is conserved. In addition, this alteration is predicted to be deleterious by in silico analysis. Based on the available evidence, the clinical significance of this variant remains unclear.

NM_004360.5(CDH1):c.1355T>C (p.Leu452Pro)

Gene: CDH1 (cadherin 1; plus strand). Cytogenetic location: 16q22.1.
Variant type: single nucleotide variant.
Coding change: c.1355T>C on transcript NM_004360.5 (MANE Select); coding-DNA position 1355, T replaced by C.
Protein change: p.Leu452Pro; replaces leucine 452 with proline.
Molecular consequence: missense variant. On other transcripts: 5 prime UTR variant (2).
Genome position (GRCh38, 1-based): chr16:68,815,549, T>C. VCF-style: chr16-68815549-T-C. GRCh37 (hg19) VCF-style: chr16-68849452-T-C.
Other names: c.1172T>C, p.Leu391Pro (NM_001317184.2); c.-194T>C (NM_001317185.2); c.-465T>C (NM_001317186.2); short protein forms L391P, L452P.
Identifiers: ClinVar variation 5033969 (VCV005033969.1).